The following is an entry in ClinVar:

ClinVar aggregate classification (germline): Uncertain significance (1 of 4 stars; one submission).

Submission:

Labcorp Genetics (formerly Invitae), Labcorp
Classification: Uncertain significance. Last evaluated: 2022-04-24. Review status: criteria provided, single submitter. Criteria: Invitae Variant Classification Sherloc (09022015). Collection method: clinical testing. Allele origin: germline.
Comment: Advanced modeling of protein sequence and biophysical properties (such as structural, functional, and spatial information, amino acid conservation, physicochemical variation, residue mobility, and thermodynamic stability) performed at Invitae indicates that this missense variant is expected to disrupt ABCC6 protein function. This variant has not been reported in the literature in individuals affected with ABCC6-related conditions. This variant is not present in population databases (gnomAD no frequency). This sequence change replaces alanine, which is neutral and non-polar, with serine, which is neutral and polar, at codon 1016 of the ABCC6 protein (p.Ala1016Ser). In summary, the available evidence is currently insufficient to determine the role of this variant in disease. Therefore, it has been classified as a Variant of Uncertain Significance.

NM_001171.6(ABCC6):c.3046G>T (p.Ala1016Ser)

Gene: ABCC6 (ATP binding cassette subfamily C member 6; minus strand). Cytogenetic location: 16p13.11.
Variant type: single nucleotide variant.
Coding change: c.3046G>T on transcript NM_001171.6 (MANE Select); coding-DNA position 3046, G replaced by T.
Protein change: p.Ala1016Ser; replaces alanine 1016 with serine.
Molecular consequence: missense variant. On other transcripts: non-coding transcript variant (1).
Genome position (GRCh38, 1-based): chr16:16,165,883, C>A on the plus strand (G>T on the coding strand, the complement: ABCC6 is on the minus strand). VCF-style: chr16-16165883-C-A. GRCh37 (hg19) VCF-style: chr16-16259740-C-A.
Other names: c.2704G>T, p.Ala902Ser (NM_001351800.1); short protein forms A1016S, A902S.
Identifiers: ClinVar variation 2129964 (VCV002129964.4), dbSNP rs1398594452, ClinGen allele CA394883330.